The following is an entry in ClinVar:

NM_001166114.2(PNPLA6):c.2071-15C>T

Gene: PNPLA6 (patatin like domain 6, lysophospholipase; plus strand). Cytogenetic location: 19p13.2.
Variant type: single nucleotide variant.
Coding change: c.2071-15C>T on transcript NM_001166114.2 (MANE Select); 15 bases into the intron before coding-DNA position 2071, C replaced by T.
Molecular consequence: intron variant.
Genome position (GRCh38, 1-based): chr19:7,550,979, C>T. VCF-style: chr19-7550979-C-T. GRCh37 (hg19) VCF-style: chr19-7615865-C-T.
Other names: c.1954-15C>T (NM_006702.5, NM_001166113.1); c.1876-15C>T (NM_001166112.2); c.2098-15C>T (NM_001166111.2).
Identifiers: ClinVar variation 330526 (VCV000330526.13), dbSNP rs7250363, ClinGen allele CA9140005.
Genomic context (GRCh38, chr19:7,550,979, plus strand): 5'-CAGCCCCCTTTCCACCCATCTTCGGCCTCCTCATTCCCCACCCAAGCAGCCCCAATCATG[C>T]ACGCGGCCCCCCAGGTGGAGGCACTGACCCGGCAGCCGCGAGCCACGACGGTGCACGCGG-3'

ClinVar aggregate classification (germline): Benign. Review status: criteria provided, multiple submitters, no conflicts (2 of 4 stars). 4 submissions from 4 submitters: Benign (4). Last evaluated 2026-02-03.

Conditions:
Hereditary spastic paraplegia 39 (SPG39). Also called: SPASTIC PARAPLEGIA 39, AUTOSOMAL RECESSIVE; Spastic Paraplegia Type 39 (SPG39). Identifiers: Orphanet 139480, MedGen C2677586, MONDO:0012787, OMIM 612020.

Allele frequency attached by ClinVar (database versions not stated): gnomAD exomes 0.00328 and 0.00718; ExAC 0.00710; 1000 Genomes Project 0.03634; 1000 Genomes Project 30x 0.03951; ESP Exome Variant Server 0.02600; gnomAD 0.02966 and 0.03172; TOPMed 0.03290.
gnomAD v4.1: 9,251 of 1,518,590 alleles (0.61%); highest among the groups gnomAD compares: African/African-American, 10%; 425 homozygotes.

Submissions (4):

Labcorp Genetics (formerly Invitae), Labcorp
Classification: Benign for Hereditary spastic paraplegia 39. Last evaluated: 2026-02-03. Review status: criteria provided, single submitter. Criteria: Invitae Variant Classification Sherloc (09022015). Collection method: clinical testing. Allele origin: germline.

Illumina Laboratory Services, Illumina
Classification: Benign for Hereditary spastic paraplegia 39. Last evaluated: 2018-01-12. Review status: criteria provided, single submitter. Criteria: ICSL Variant Classification Criteria 13 December 2019. Collection method: clinical testing. Allele origin: germline.
Comment: This variant was observed in the ICSL laboratory as part of a predisposition screen in an ostensibly healthy population. It had not been previously curated by ICSL or reported in the Human Gene Mutation Database (HGMD: prior to June 1st, 2018), and was therefore a candidate for classification through an automated scoring system. Utilizing variant allele frequency, disease prevalence and penetrance estimates, and inheritance mode, an automated score was calculated to assess if this variant is too frequent to cause the disease. Based on the score and internal cut-off values, a variant classified as benign is not then subjected to further curation. The score for this variant resulted in a classification of benign for this disease.

GeneDx
Classification: Benign. Last evaluated: 2016-09-26. Review status: criteria provided, single submitter. Criteria: GeneDx Variant Classification (06012015). Collection method: clinical testing. Allele origin: germline. Affected: yes.
Comment: This variant is considered likely benign or benign based on one or more of the following criteria: it is a conservative change, it occurs at a poorly conserved position in the protein, it is predicted to be benign by multiple in silico algorithms, and/or has population frequency not consistent with disease.

Breakthrough Genomics
Classification: Benign. Review status: criteria provided, single submitter. Criteria: ACMG Guidelines, 2015. Collection method: not provided. Allele origin: germline. Inheritance: Autosomal recessive inheritance. Affected: yes.